The following is an entry in ClinVar:

ClinVar aggregate classification (germline): Uncertain significance (1 of 4 stars; one submission).

Conditions:
Idiopathic generalized epilepsy. Also called: EIG; Generalised epilepsy. Identifiers: MedGen C0270850, MONDO:0005579, OMIM 600669.

gnomAD v4.1: 3 of 1,551,348 alleles (0.00019%); highest among the groups gnomAD compares: South Asian, 0.0024%; no homozygotes.

Submission:

Labcorp Genetics (formerly Invitae), Labcorp
Classification: Uncertain significance for Idiopathic generalized epilepsy. Last evaluated: 2021-03-21. Review status: criteria provided, single submitter. Criteria: Invitae Variant Classification Sherloc (09022015). Collection method: clinical testing. Allele origin: germline.
Comment: In summary, the available evidence is currently insufficient to determine the role of this variant in disease. Therefore, it has been classified as a Variant of Uncertain Significance. Algorithms developed to predict the effect of missense changes on protein structure and function are either unavailable or do not agree on the potential impact of this missense change (SIFT: "Tolerated"; PolyPhen-2: "Possibly Damaging"; Align-GVGD: "Class C0"). This variant has not been reported in the literature in individuals with RBFOX3-related conditions. This variant is not present in population databases (ExAC no frequency). This sequence change replaces alanine with threonine at codon 270 of the RBFOX3 protein (p.Ala270Thr). The alanine residue is highly conserved and there is a small physicochemical difference between alanine and threonine.

NM_001350451.2(RBFOX3):c.949G>A (p.Ala317Thr)

Gene: RBFOX3 (RNA binding fox-1 homolog 3; minus strand). Cytogenetic location: 17q25.3.
Variant type: single nucleotide variant.
Coding change: c.949G>A on transcript NM_001350451.2 (MANE Select); coding-DNA position 949, G replaced by A.
Protein change: p.Ala317Thr; replaces alanine 317 with threonine.
Molecular consequence: missense variant.
Genome position (GRCh38, 1-based): chr17:79,095,562, C>T on the plus strand (G>A on the coding strand, the complement: RBFOX3 is on the minus strand). VCF-style: chr17-79095562-C-T. GRCh37 (hg19) VCF-style: chr17-77091644-C-T.
Other names: c.808G>A, p.Ala270Thr (NM_001082575.3, NM_001350453.2, NM_001385825.1 and 16 more transcripts); c.949G>A, p.Ala317Thr (NM_001385804.1, NM_001385805.1, NM_001385807.1 and 14 more transcripts); c.946G>A, p.Ala316Thr (NM_001385806.1, NM_001385822.1, NM_001385823.1); c.856G>A, p.Ala286Thr (NM_001385824.1); c.829G>A, p.Ala277Thr (NM_001385827.1); c.805G>A, p.Ala269Thr (NM_001385843.1, NM_001385844.1, NM_001385845.1 and 1 more transcripts); c.661G>A, p.Ala221Thr (NM_001385847.1); short protein forms A221T, A277T, A269T, A286T, A317T, A270T, A316T.
Identifiers: ClinVar variation 1461018 (VCV001461018.8), dbSNP rs2146254444, ClinGen allele CA401315906.
Genomic context (GRCh38, chr17:79,095,562, plus strand): 5'-CCCGGCCTCACCTGTCGCTGTAGGCTGCCGCCGCTGCAGCGGGCTGAGCGTATCTGTAGG[C>T]TGCGTAGCCTCCCTGCAGGGTAAGTGGGAGGAGAGAGAGCAGAGGGACTTAGTGGGGCTC-3'
Protein context (NP_001337380.1, residues 307-327): YGAEIYGGYA[Ala317Thr]YRYAQPAAAA